The following is an entry in ClinVar:

NM_002335.4(LRP5):c.1793A>G (p.Lys598Arg)

Gene: LRP5 (LDL receptor related protein 5; plus strand). Cytogenetic location: 11q13.2.
Variant type: single nucleotide variant.
Coding change: c.1793A>G on transcript NM_002335.4 (MANE Select); coding-DNA position 1793, A replaced by G.
Protein change: p.Lys598Arg; replaces lysine 598 with arginine.
Molecular consequence: missense variant. On other transcripts: 5 prime UTR variant (1).
Genome position (GRCh38, 1-based): chr11:68,403,691, A>G. VCF-style: chr11-68403691-A-G. GRCh37 (hg19) VCF-style: chr11-68171159-A-G.
Other names: c.-145A>G (NM_001291902.2); short protein forms K598R.
Identifiers: ClinVar variation 1698288 (VCV001698288.2), dbSNP rs1161765642, ClinGen allele CA381614743.

ClinVar aggregate classification (germline): Uncertain significance (1 of 4 stars; one submission).

Allele frequency attached by ClinVar (database versions not stated): gnomAD exomes below 0.00001.
gnomAD v4.1: 1 of 1,613,672 alleles (0.000062%); highest among the groups gnomAD compares: East Asian, 0.0022%; no homozygotes.

Submission:

GeneDx
Classification: Uncertain significance. Last evaluated: 2022-01-02. Review status: criteria provided, single submitter. Criteria: GeneDx Variant Classification Process June 2021. Collection method: clinical testing. Allele origin: germline. Affected: yes.
Comment: Not observed at significant frequency in large population cohorts (gnomAD); In silico analysis supports that this missense variant does not alter protein structure/function; Has not been previously published as pathogenic or benign to our knowledge